The following is an entry in ClinVar:

NM_001366385.1(CARD14):c.259G>A (p.Ala87Thr)

Gene: CARD14 (caspase recruitment domain family member 14; plus strand). Cytogenetic location: 17q25.3.
Variant type: single nucleotide variant.
Coding change: c.259G>A on transcript NM_001366385.1 (MANE Select); coding-DNA position 259, G replaced by A.
Protein change: p.Ala87Thr; replaces alanine 87 with threonine.
Molecular consequence: missense variant. On other transcripts: non-coding transcript variant (1).
Genome position (GRCh38, 1-based): chr17:80,182,700, G>A. VCF-style: chr17-80182700-G-A. GRCh37 (hg19) VCF-style: chr17-78156499-G-A.
Other names: c.259G>A, p.Ala87Thr (NM_001257970.1, NM_024110.4); short protein forms A87T.
Identifiers: ClinVar variation 1391634 (VCV001391634.6), dbSNP rs370897817, ClinGen allele CA8816379.

ClinVar aggregate classification (germline): Uncertain significance (1 of 4 stars; one submission).

Conditions:
Pityriasis rubra pilaris (PRP). Also called: Pityriasis rubra pilaris--familial type. Identifiers: Orphanet 2897, MedGen C0032027, MONDO:0100017, OMIM 173200, MONDO:0008251.
Psoriasis 2. Identifiers: MedGen C1864497, MONDO:0011269, OMIM 602723.

Allele frequency attached by ClinVar (database versions not stated): gnomAD exomes below 0.00001; ExAC 0.00001; ESP Exome Variant Server 0.00008.
gnomAD v4.1: 24 of 1,614,006 alleles (0.0015%); highest among the groups gnomAD compares: African/African-American, 0.004%; no homozygotes.

Submission:

Labcorp Genetics (formerly Invitae), Labcorp
Classification: Uncertain significance for Pityriasis rubra pilaris; Psoriasis 2. Last evaluated: 2024-10-31. Review status: criteria provided, single submitter. Criteria: Invitae Variant Classification Sherloc (09022015). Collection method: clinical testing. Allele origin: germline.
Comment: This sequence change replaces alanine, which is neutral and non-polar, with threonine, which is neutral and polar, at codon 87 of the CARD14 protein (p.Ala87Thr). This variant is present in population databases (rs370897817, gnomAD 0.0009%). This variant has not been reported in the literature in individuals affected with CARD14-related conditions. ClinVar contains an entry for this variant (Variation ID: 1391634). Invitae Evidence Modeling of protein sequence and biophysical properties (such as structural, functional, and spatial information, amino acid conservation, physicochemical variation, residue mobility, and thermodynamic stability) has been performed for this missense variant. However, the output from this modeling did not meet the statistical confidence thresholds required to predict the impact of this variant on CARD14 protein function. In summary, the available evidence is currently insufficient to determine the role of this variant in disease. Therefore, it has been classified as a Variant of Uncertain Significance.